The following is an entry in ClinVar:

ClinVar aggregate classification (germline): Uncertain significance (1 of 4 stars; one submission).

gnomAD v4.1: 28 of 1,613,912 alleles (0.0017%); highest among the groups gnomAD compares: Admixed American, 0.0033%; no homozygotes.

Submission:

Labcorp Genetics (formerly Invitae), Labcorp
Classification: Uncertain significance. Last evaluated: 2024-09-16. Review status: criteria provided, single submitter. Criteria: Invitae Variant Classification Sherloc (09022015). Collection method: clinical testing. Allele origin: germline.
Comment: This sequence change creates a premature translational stop signal (p.Gln804*) in the MYH7B gene. It is expected to result in an absent or disrupted protein product. However, the current clinical and genetic evidence is not sufficient to establish whether loss-of-function variants in MYH7B cause disease. This variant is present in population databases (no rsID available, gnomAD 0.003%). This variant has not been reported in the literature in individuals affected with MYH7B-related conditions. In summary, the available evidence is currently insufficient to determine the role of this variant in disease. Therefore, it has been classified as a Variant of Uncertain Significance.

NM_020884.7(MYH7B):c.2284C>T (p.Gln762Ter)

Gene: MYH7B (myosin heavy chain 7B; plus strand). Cytogenetic location: 20q11.22.
Variant type: single nucleotide variant.
Coding change: c.2284C>T on transcript NM_020884.7 (MANE Select); coding-DNA position 2284, C replaced by T.
Protein change: p.Gln762Ter; replaces glutamine 762 with a stop codon.
Molecular consequence: nonsense.
Genome position (GRCh38, 1-based): chr20:34,993,202, C>T. VCF-style: chr20-34993202-C-T. GRCh37 (hg19) VCF-style: chr20-33581005-C-T.
Other names: short protein forms Q762*.
Identifiers: ClinVar variation 3612353 (VCV003612353.2).